The following is an entry in ClinVar:

ClinVar aggregate classification (germline): Pathogenic (1 of 4 stars; one submission).

Conditions:
HRAS-related disorder. Also called: HRAS-related condition.

Submission:

Seattle Children's Hospital Molecular Genetics Laboratory, Seattle Children's Hospital
Classification: Pathogenic for HRAS-related disorder. Review status: criteria provided, single submitter. Criteria: ACMG Guidelines, 2015. Collection method: clinical testing. Allele origin: somatic. Affected: yes.
Comment: While this exact variant has not been observed in the medical literature, similar variants have been reported in patients with disorders of somatic mosaicism (PMID: 36571464). The duplication of 30 base pairs causes an in-frame insertion of ten amino acids in the HRAS switch II domain, a region critical for binding regulator and effector proteins (PMID: 11701921). While this insertion event appears to be novel, multiple in-frame insertions/deletions (indels) within the switch II domain have been reported in individuals with vascular malformations, vascular malformations/overgrowth syndromes (VOGM), and RASopathies (PMID: 23335589, PMID: 31160609, PMID: 31637524. 2019, PMID: 36571464). In addition, functional analyses of similar in-frame insertions and duplications in the HRAS switch II domain have demonstrated that these variants lead to increased RAS signaling (PMID: 23335589, PMID: 31160609).

NM_005343.4(HRAS):c.203_232dup (p.Gly77_Phe78insTrpAspGlnTyrMetArgThrGlyGluGly)

Genes: HRAS (HRas proto-oncogene, GTPase; minus strand), LRRC56 (leucine rich repeat containing 56; plus strand). Cytogenetic location: 11p15.5.
Variant type: Duplication.
Coding change: c.203_232dup on transcript NM_005343.4 (MANE Select); coding-DNA positions 203 to 232, 30 bases duplicated (GGGACCAGTACATGCGCACCGGGGAGGGCT).
Protein change: p.Gly77_Phe78insTrpAspGlnTyrMetArgThrGlyGluGly.
Molecular consequence: inframe insertion. On other transcripts: 5 prime UTR variant (1).
Genome position (GRCh38, 1-based): chr11:533,824-533,853, AGCCCTCCCCGGTGCGCATGTACTGGTCCC duplicated on the plus strand (GGGACCAGTACATGCGCACCGGGGAGGGCT on the coding strand, the reverse complement: HRAS is on the minus strand). VCF-style (leftmost placement, unchanged base first): chr11-533823-A-AAGCCCTCCCCGGTGCGCATGTACTGGTCCC. GRCh37 (hg19) VCF-style: chr11-533823-A-AAGCCCTCCCCGGTGCGCATGTACTGGTCCC.
Other names: c.203_232dup, p.Gly77_Phe78insTrpAspGlnTyrMetArgThrGlyGluGly (NM_001130442.3, NM_176795.5); c.-117_-88dup (NM_001318054.2); c.203_232dup (NM_005343.3).
Identifiers: ClinVar variation 3340440 (VCV003340440.1).
Genomic context (GRCh38, chr11:533,823, plus strand): 5'-CACCTGTACTGGTGGATGTCCTCAAAAGACTTGGTGTTGTTGATGGCAAACACACACAGG[A>AAGCCCTCCCCGGTGCGCATGTACTGGTCCC]AGCCCTCCCCGGTGCGCATGTACTGGTCCCGCATGGCGCTGTACTCCTCCTGGCCGGCGG-3'